The following is an entry in ClinVar:

ClinVar aggregate classification (germline): Conflicting classifications of pathogenicity. Review status: criteria provided, conflicting classifications (1 of 4 stars). 2 submissions from 2 submitters: Likely pathogenic (1); Uncertain significance (1). Last evaluated 2026-04-08.

Submissions (2):

GeneDx
Classification: Likely pathogenic. Last evaluated: 2026-04-08. Review status: criteria provided, single submitter. Criteria: GeneDx Variant Classification Process June 2021. Collection method: clinical testing. Allele origin: germline.
Comment: In silico analysis supports that this missense variant has a deleterious effect on protein structure/function; Not observed at significant frequency in large population cohorts (gnomAD); This variant is associated with the following publications: (PMID: 30747360)

Women's Health and Genetics/Laboratory Corporation of America, LabCorp
Classification: Uncertain significance. Last evaluated: 2025-01-24. Review status: criteria provided, single submitter. Criteria: LabCorp Variant Classification Summary - May 2015. Collection method: clinical testing. Allele origin: germline.
Comment: Variant summary: PAH c.502T>A (p.Tyr168Asn) results in a non-conservative amino acid change located in the aromatic amino acid hydroxylase, C-terminal domain (IPR019774) of the encoded protein sequence. Five of five in-silico tools predict a damaging effect of the variant on protein function. The variant was absent in 251360 control chromosomes. The available data on variant occurrences in the general population are insufficient to allow any conclusion about variant significance. c.502T>A has been reported in the literature in at least one individual affected with Phenylalanine Hydroxylase Deficiency (Phenylketonuria) (e.g., Yan_2019). This report does not provide unequivocal conclusions about association of the variant with Phenylalanine Hydroxylase Deficiency (Phenylketonuria). To our knowledge, no experimental evidence demonstrating an impact on protein function has been reported. The following publication has been ascertained in the context of this evaluation (PMID: 30747360). No submitters have cited clinical-significance assessments for this variant to ClinVar. Based on the evidence outlined above, the variant was classified as uncertain significance.

Literature cited by the submitters: PubMed 30747360 (cited by Women's Health and Genetics/Laboratory Corporation of America, LabCorp).

NM_000277.3(PAH):c.502T>A (p.Tyr168Asn)

Gene: PAH (phenylalanine hydroxylase; minus strand). Cytogenetic location: 12q23.2.
Variant type: single nucleotide variant.
Coding change: c.502T>A on transcript NM_000277.3 (MANE Select); coding-DNA position 502, T replaced by A.
Protein change: p.Tyr168Asn; replaces tyrosine 168 with asparagine.
Molecular consequence: missense variant.
Genome position (GRCh38, 1-based): chr12:102,866,603, A>T on the plus strand (T>A on the coding strand, the complement: PAH is on the minus strand). VCF-style: chr12-102866603-A-T. GRCh37 (hg19) VCF-style: chr12-103260381-A-T.
Other names: c.502T>A, p.Tyr168Asn (NM_001354304.2); c.502T>A (NM_000277.1); short protein forms Y168N.
Identifiers: ClinVar variation 3769446 (VCV003769446.3).